The following is an entry in ClinVar:

ClinVar aggregate classification (germline): Conflicting classifications of pathogenicity. Review status: criteria provided, conflicting classifications (1 of 4 stars). 5 submissions from 5 submitters: Likely pathogenic (1); Uncertain significance (3). 1 of the submissions does not count toward it. Last evaluated 2024-02-07.

Conditions:
Type 2 diabetes mellitus. Also called: Type II diabetes mellitus. Identifiers: MedGen C0011860, MeSH D003924, MONDO:0005148, OMIM 125853, HP:0005978.
Nonpapillary renal cell carcinoma. Identifiers: Orphanet 422526, MedGen CN074294, MONDO:0007763, OMIM 144700.
Renal cysts and diabetes syndrome (RCAD). Also called: Familial hypoplastic, glomerulocystic kidney; MATURITY-ONSET DIABETES OF THE YOUNG, TYPE 5. Identifiers: Orphanet 93111, MedGen C0431693, MONDO:0007669, OMIM 137920.
Congenital anomaly of kidney and urinary tract. Also called: Congenital anomalies of the kidney and urinary tract; Congenital anomalies of kidney and urinary tract. Identifiers: Orphanet 93545, MedGen C1968949, MeSH C566906, MONDO:0019719.

Allele frequency attached by ClinVar (database versions not stated): gnomAD exomes below 0.00001.
gnomAD v4.1: 2 of 1,613,206 alleles (0.00012%); highest among the groups gnomAD compares: Non-Finnish European, 0.00017%; no homozygotes.

Submissions (5):

Women's Health and Genetics/Laboratory Corporation of America, LabCorp
Classification: Uncertain significance. Last evaluated: 2024-02-07. Review status: criteria provided, single submitter. Criteria: LabCorp Variant Classification Summary - May 2015. Collection method: clinical testing. Allele origin: germline.
Comment: Variant summary: HNF1B c.1024T>C (p.Ser342Pro) results in a non-conservative amino acid change located in the Hepatocyte nuclear factor 1, beta isoform, C-terminal domain (IPR006897) of the encoded protein sequence. Four of five in-silico tools predict a damaging effect of the variant on protein function. The variant allele was found at a frequency of 4e-06 in 248598 control chromosomes. The available data on variant occurrences in the general population are insufficient to allow any conclusion about variant significance. c.1024T>C has been reported in the literature in at least one heterozygous individual affected with Congenital anomalies of the kidney and urinary tract (CAKUT) (e.g. Hwang_2014). These data do not allow any conclusion about variant significance. To our knowledge, no experimental evidence demonstrating an impact on protein function has been reported. The following publication has been ascertained in the context of this evaluation (PMID: 24429398). ClinVar contains an entry for this variant (Variation ID: 635613). Based on the evidence outlined above, the variant was classified as uncertain significance.

Fulgent Genetics
Classification: Uncertain significance for Type 2 diabetes mellitus; Renal cysts and diabetes syndrome; Nonpapillary renal cell carcinoma. Last evaluated: 2024-01-08. Review status: criteria provided, single submitter. Criteria: ACMG Guidelines, 2015. Collection method: clinical testing. Allele origin: germline.

Broad Center for Mendelian Genomics, Broad Institute of MIT and Harvard
Classification: Uncertain significance for Congenital anomaly of kidney and urinary tract. Last evaluated: 2020-05-28. Review status: criteria provided, single submitter. Criteria: ACMG Guidelines, 2015. Collection method: research. Allele origin: germline. Inheritance: Autosomal dominant inheritance.
Comment: It is of note that reduced penetrance has been previously described in CAKUT (PMID: 29293093). This variant has also been reported in ClinVar (Variation ID# 635613). This variant has been identified in 0.0009% (1/112178) of European (non-Finnish) chromosomes by the Genome Aggregation Database (gnomAD). Please note that for diseases with clinical variability, or reduced penetrance, pathogenic variants may be present at a low frequency in the general population. Computational prediction tools and conservation analyses do not provide strong support for or against an impact to the protein. In summary, the clinical significance of the p.Ser342Pro variant is uncertain. ACMG/AMP Criteria applied: PM2_supporting (Richards 2015).

Institute of Human Genetics, FAU Erlangen, Friedrich-Alexander-Universität Erlangen-Nürnberg
Classification: Likely pathogenic for Renal cysts and diabetes syndrome. Last evaluated: 2019-07-06. Review status: criteria provided, single submitter. Criteria: ACMG Guidelines, 2015. Collection method: literature only. Allele origin: germline. Affected: yes.
Comment: This variant and it's classification has been reported by Vasileiou et al. 2019; DOI:10.1101/576918. The variants has previously been reported in PMID:24429398 as "c.1024T>C p.S342P" with clinical significance Pathogenic. It has been re-classified using InterVar and manual curation as Likely pathogenic based on PM1 PM2 PP3 PP5.

Yale Center for Mendelian Genomics, Yale University
Classification: Likely pathogenic for Congenital anomaly of kidney and urinary tract. Last evaluated: 2018-08-24. Review status: no assertion criteria provided. Collection method: literature only. Allele origin: germline. Affected: yes. Observed: 1 heterozygote. Study: Yale Center for Mendelian Genomics. Not counted in ClinVar's aggregate classification.

Literature cited by the submitters: PubMed 24429398 (cited by Women's Health and Genetics/Laboratory Corporation of America, LabCorp and Institute of Human Genetics, FAU Erlangen, Friedrich-Alexander-Universität Erlangen-Nürnberg); DOI 10.1101/576918 (cited by Institute of Human Genetics, FAU Erlangen, Friedrich-Alexander-Universität Erlangen-Nürnberg); PubMed 30143558 (cited by Yale Center for Mendelian Genomics, Yale University).

NM_000458.4(HNF1B):c.1024T>C (p.Ser342Pro)

Gene: HNF1B (HNF1 homeobox B; minus strand). Cytogenetic location: 17q12.
Variant type: single nucleotide variant.
Coding change: c.1024T>C on transcript NM_000458.4 (MANE Select); coding-DNA position 1024, T replaced by C.
Protein change: p.Ser342Pro; replaces serine 342 with proline.
Molecular consequence: missense variant.
Genome position (GRCh38, 1-based): chr17:37,731,616, A>G on the plus strand (T>C on the coding strand, the complement: HNF1B is on the minus strand). VCF-style: chr17-37731616-A-G. GRCh37 (hg19) VCF-style: chr17-36091607-A-G.
Other names: c.946T>C, p.Ser316Pro (NM_001165923.4, NM_001304286.2); short protein forms S342P, S316P.
Identifiers: ClinVar variation 635613 (VCV000635613.6), dbSNP rs1282596664, ClinGen allele CA398745993.